The following is an entry in ClinVar:

NM_000102.4(CYP17A1):c.326_339del (p.Arg109fs)

Gene: CYP17A1 (cytochrome P450 family 17 subfamily A member 1; minus strand). Cytogenetic location: 10q24.32.
Variant type: Deletion.
Coding change: c.326_339del on transcript NM_000102.4 (MANE Select); coding-DNA positions 326 to 339, 14 bases deleted (GTAAGGGTATCGCC).
Protein change: p.Arg109fs; shifts the reading frame from arginine 109.
Molecular consequence: frameshift variant.
Genome position (GRCh38, 1-based): chr10:102,835,351-102,835,364, GGCGATACCCTTAC deleted on the plus strand (GTAAGGGTATCGCC on the coding strand, the reverse complement: CYP17A1 is on the minus strand); deleting any 14 consecutive bases within chr10:102,835,351-102,835,366 gives the same sequence; the c. name uses the placement nearest the transcript's 3' end. VCF-style (leftmost placement, unchanged base first): chr10-102835350-AGGCGATACCCTTAC-A. GRCh37 (hg19) VCF-style: chr10-104595107-AGGCGATACCCTTAC-A.
Other names: short protein forms R109fs.
Identifiers: ClinVar variation 2811911 (VCV002811911.3), dbSNP rs2493243211, ClinGen allele CA2739275963.
Genomic context (GRCh38, chr10:102,835,350, plus strand): 5'-GGGCAAAGGTGGCCATCGCCAGCCTTCGATGCAGCTGCCAGTGTGCGCCAGAGTCAGCGA[AGGCGATACCCTTAC>A]GGTTGTTGGACGCGATGTCTAGAGTTGCCTTTAGAGAGCAGGCAAGGCTGTAGGAATCTC-3'

ClinVar aggregate classification (germline): Pathogenic (1 of 4 stars; one submission).

Submission:

Labcorp Genetics (formerly Invitae), Labcorp
Classification: Pathogenic. Last evaluated: 2022-11-04. Review status: criteria provided, single submitter. Criteria: Invitae Variant Classification Sherloc (09022015). Collection method: clinical testing. Allele origin: germline.
Comment: This sequence change creates a premature translational stop signal (p.Arg109Leufs*3) in the CYP17A1 gene. It is expected to result in an absent or disrupted protein product. Loss-of-function variants in CYP17A1 are known to be pathogenic (PMID: 10720067, 14747197, 17192295, 20197673, 24140098). This variant is not present in population databases (gnomAD no frequency). This variant has not been reported in the literature in individuals affected with CYP17A1-related conditions. For these reasons, this variant has been classified as Pathogenic.

Literature cited by the submitters: PubMed 10720067; PubMed 14747197; PubMed 17192295; PubMed 20197673; PubMed 24140098.